The following is an entry in ClinVar:

ClinVar aggregate classification (germline): Pathogenic/Likely pathogenic. Review status: criteria provided, multiple submitters, no conflicts (2 of 4 stars). 3 submissions from 3 submitters: Pathogenic (2); Likely pathogenic (1). Last evaluated 2025-09-05.

Conditions:
Nemaline myopathy 2 (NEM2). Also called: Nemaline myopathy 2, autosomal recessive. Identifiers: MedGen C1850569, MONDO:0009725, OMIM 256030.

Submissions (3):

Natera, Inc.
Classification: Pathogenic for Nemaline myopathy type 2. Last evaluated: 2025-09-05. Review status: criteria provided, single submitter. Criteria: Natera Variant Classification Schema (03/2026). Collection method: clinical testing. Allele origin: germline.
Comment: The c.6775C>T variant in NEB is a nonsense variant predicted to introduce a stop codon at amino acid 2259. This variant is expected to result in nonsense mediated decay, truncation, or a dysfunctional protein product. This variant is rare in the general population with a frequency below the threshold expected for the associated phenotype(s). This variant has been observed in one or more individuals affected with the associated recessive disease, as either homozygous or compound heterozygous with a second variant (PMID: 33820833). Given the available evidence, this variant is classified as Pathogenic.

Labcorp Genetics (formerly Invitae), Labcorp
Classification: Pathogenic for Nemaline myopathy 2. Last evaluated: 2023-07-10. Review status: criteria provided, single submitter. Criteria: Invitae Variant Classification Sherloc (09022015). Collection method: clinical testing. Allele origin: germline.
Comment: ClinVar contains an entry for this variant (Variation ID: 1324792). For these reasons, this variant has been classified as Pathogenic. This variant has not been reported in the literature in individuals affected with NEB-related conditions. This sequence change creates a premature translational stop signal (p.Gln2259*) in the NEB gene. It is expected to result in an absent or disrupted protein product. Loss-of-function variants in NEB are known to be pathogenic (PMID: 25205138). This variant is not present in population databases (gnomAD no frequency).

Revvity Omics, Revvity
Classification: Likely pathogenic. Last evaluated: 2023-06-21. Review status: criteria provided, single submitter. Criteria: ACMG Guidelines, 2015. Collection method: clinical testing. Allele origin: germline.

Literature cited by the submitters: PubMed 33820833 (cited by Natera, Inc.); PubMed 25205138 (cited by Labcorp Genetics (formerly Invitae), Labcorp).

NM_001164508.2(NEB):c.6775C>T (p.Gln2259Ter)

Gene: NEB (nebulin; minus strand). Cytogenetic location: 2q23.3.
Variant type: single nucleotide variant.
Coding change: c.6775C>T on transcript NM_001164508.2 (MANE Select); coding-DNA position 6775, C replaced by T.
Protein change: p.Gln2259Ter; replaces glutamine 2259 with a stop codon.
Molecular consequence: nonsense.
Genome position (GRCh38, 1-based): chr2:151,655,302, G>A on the plus strand (C>T on the coding strand, the complement: NEB is on the minus strand). VCF-style: chr2-151655302-G-A. GRCh37 (hg19) VCF-style: chr2-152511816-G-A.
Other names: c.6775C>T, p.Gln2259Ter (NM_001164507.2, NM_001271208.2, NM_004543.5); short protein forms Q2259*.
Identifiers: ClinVar variation 1324792 (VCV001324792.8), dbSNP rs773605767, ClinGen allele CA348794170.